The following is an entry in ClinVar:

ClinVar aggregate classification (germline): Conflicting classifications of pathogenicity. Review status: criteria provided, conflicting classifications (1 of 4 stars). 2 submissions from 2 submitters: Uncertain significance (1); Likely benign (1). Last evaluated 2025-09-10.

Conditions:
Baller-Gerold syndrome (BGS). Also called: CRANIOSYNOSTOSIS WITH RADIAL DEFECTS. Identifiers: Orphanet 1225, MedGen C0265308, MONDO:0009039, OMIM 218600.
Inborn genetic diseases. Identifiers: MedGen C0950123, MeSH D030342.

gnomAD v4.1: 1 of 1,612,552 alleles (0.000062%); highest among the groups gnomAD compares: South Asian, 0.0011%; no homozygotes.

Submissions (2):

Ambry Genetics
Classification: Likely benign for Inborn genetic diseases. Last evaluated: 2025-09-10. Review status: criteria provided, single submitter. Criteria: Ambry Variant Classification Scheme 2023. Collection method: clinical testing. Allele origin: germline.

Labcorp Genetics (formerly Invitae), Labcorp
Classification: Uncertain significance for Baller-Gerold syndrome. Last evaluated: 2022-02-24. Review status: criteria provided, single submitter. Criteria: Invitae Variant Classification Sherloc (09022015). Collection method: clinical testing. Allele origin: germline.
Comment: Experimental studies and prediction algorithms are not available or were not evaluated, and the functional significance of this variant is currently unknown. In summary, the available evidence is currently insufficient to determine the role of this variant in disease. Therefore, it has been classified as a Variant of Uncertain Significance. This variant has not been reported in the literature in individuals affected with RECQL4-related conditions. This sequence change replaces phenylalanine, which is neutral and non-polar, with leucine, which is neutral and non-polar, at codon 409 of the RECQL4 protein (p.Phe409Leu). This variant is not present in population databases (gnomAD no frequency).

NM_004260.4(RECQL4):c.1227C>G (p.Phe409Leu)

Gene: RECQL4 (RecQ like helicase 4; minus strand). Cytogenetic location: 8q24.3.
Variant type: single nucleotide variant.
Coding change: c.1227C>G on transcript NM_004260.4 (MANE Select); coding-DNA position 1227, C replaced by G.
Protein change: p.Phe409Leu; replaces phenylalanine 409 with leucine.
Molecular consequence: missense variant.
Genome position (GRCh38, 1-based): chr8:144,515,795, G>C on the plus strand (C>G on the coding strand, the complement: RECQL4 is on the minus strand). VCF-style: chr8-144515795-G-C. GRCh37 (hg19) VCF-style: chr8-145741179-G-C.
Other names: c.1227C>G (NM_004260.3); short protein forms F409L.
Identifiers: ClinVar variation 1433544 (VCV001433544.7), dbSNP rs1060504219, ClinGen allele CA372687369.